The following is an entry in ClinVar:

ClinVar aggregate classification (germline): Pathogenic/Likely pathogenic. Review status: criteria provided, multiple submitters, no conflicts (2 of 4 stars). 3 submissions from 3 submitters: Pathogenic (2); Likely pathogenic (1). Last evaluated 2026-04-26.

Allele frequency attached by ClinVar (database versions not stated): TOPMed 0.00001; ExAC 0.00002.
gnomAD v4.1: 11 of 1,614,126 alleles (0.00068%); highest among the groups gnomAD compares: African/African-American, 0.0027%; no homozygotes.

Submissions (3):

GeneDx
Classification: Likely pathogenic. Last evaluated: 2026-04-26. Review status: criteria provided, single submitter. Criteria: GeneDx Variant Classification Process June 2021. Collection method: clinical testing. Allele origin: germline.
Comment: Nonsense variant predicted to result in protein truncation or nonsense mediated decay in a gene for which loss of function is a known mechanism of disease; Has not been previously published as pathogenic or benign to our knowledge

Labcorp Genetics (formerly Invitae), Labcorp
Classification: Pathogenic. Last evaluated: 2025-10-01. Review status: criteria provided, single submitter. Criteria: Invitae Variant Classification Sherloc (09022015). Collection method: clinical testing. Allele origin: germline.
Comment: This sequence change creates a premature translational stop signal (p.Arg169*) in the LAMA1 gene. It is expected to result in an absent or disrupted protein product. Loss-of-function variants in LAMA1 are known to be pathogenic (PMID: 25105227, 26932191). This variant is present in population databases (rs752872595, gnomAD 0.01%). This variant has not been reported in the literature in individuals affected with LAMA1-related conditions. ClinVar contains an entry for this variant (Variation ID: 501474). For these reasons, this variant has been classified as Pathogenic.

Eurofins Ntd Llc (ga)
Classification: Pathogenic. Last evaluated: 2017-04-14. Review status: criteria provided, single submitter. Criteria: EGL Classification Definitions 2015. Collection method: clinical testing. Allele origin: germline. Observed: 1 variant allele, 1 heterozygote.

Literature cited by the submitters: PubMed 25105227 (cited by Labcorp Genetics (formerly Invitae), Labcorp); PubMed 26932191 (cited by Labcorp Genetics (formerly Invitae), Labcorp).

NM_005559.4(LAMA1):c.505C>T (p.Arg169Ter)

Gene: LAMA1 (laminin subunit alpha 1; minus strand). Cytogenetic location: 18p11.31.
Variant type: single nucleotide variant.
Coding change: c.505C>T on transcript NM_005559.4 (MANE Select); coding-DNA position 505, C replaced by T.
Protein change: p.Arg169Ter; replaces arginine 169 with a stop codon.
Molecular consequence: nonsense.
Genome position (GRCh38, 1-based): chr18:7,050,777, G>A on the plus strand (C>T on the coding strand, the complement: LAMA1 is on the minus strand). VCF-style: chr18-7050777-G-A. GRCh37 (hg19) VCF-style: chr18-7050776-G-A.
Other names: c.505C>T (NM_005559.3); short protein forms R169*.
Identifiers: ClinVar variation 501474 (VCV000501474.11), dbSNP rs752872595, ClinGen allele CA8883278.